The following is an entry in ClinVar:

ClinVar aggregate classification (germline): Uncertain significance (1 of 4 stars; one submission).

Allele frequency attached by ClinVar (database versions not stated): gnomAD exomes below 0.00001.
gnomAD v4.1: 1 of 1,608,524 alleles (0.000062%); highest among the groups gnomAD compares: Non-Finnish European, 0.000085%; no homozygotes.

Submission:

GeneDx
Classification: Uncertain significance. Last evaluated: 2022-04-04. Review status: criteria provided, single submitter. Criteria: GeneDx Variant Classification Process June 2021. Collection method: clinical testing. Allele origin: germline. Affected: yes.
Comment: Not observed at significant frequency in large population cohorts (gnomAD); In silico analysis supports that this missense variant has a deleterious effect on protein structure/function; Has not been previously published as pathogenic or benign to our knowledge

NM_021956.5(GRIK2):c.2171G>A (p.Gly724Glu)

Gene: GRIK2 (glutamate ionotropic receptor kainate type subunit 2; plus strand). Cytogenetic location: 6q16.3.
Variant type: single nucleotide variant.
Coding change: c.2171G>A on transcript NM_021956.5 (MANE Select); coding-DNA position 2171, G replaced by A.
Protein change: p.Gly724Glu; replaces glycine 724 with glutamic acid.
Molecular consequence: missense variant.
Genome position (GRCh38, 1-based): chr6:102,035,426, G>A. VCF-style: chr6-102035426-G-A. GRCh37 (hg19) VCF-style: chr6-102483301-G-A.
Other names: c.2171G>A, p.Gly724Glu (NM_001166247.1, NM_175768.3); short protein forms G724E.
Identifiers: ClinVar variation 1708588 (VCV001708588.2), dbSNP rs2114426999, ClinGen allele CA365310711.